The following is an entry in ClinVar:

ClinVar aggregate classification (germline): Pathogenic (1 of 4 stars; one submission).

Conditions:
X-linked severe combined immunodeficiency (SCIDX1). Also called: X-Linked Combined Immunodeficiency Diseases; IMMUNODEFICIENCY 4; SCID, X-LINKED; SEVERE COMBINED IMMUNODEFICIENCY, X-LINKED, T CELL-NEGATIVE, B CELL-POSITIVE, NK CELL-NEGATIVE; T-B+ severe combined immunodeficiency due to gamma chain deficiency. Identifiers: Orphanet 276, MedGen C6022468, MONDO:0010315, OMIM 300400. Disease mechanism: loss of function.

Submission:

Labcorp Genetics (formerly Invitae), Labcorp
Classification: Pathogenic for X-linked severe combined immunodeficiency. Last evaluated: 2020-08-19. Review status: criteria provided, single submitter. Criteria: Invitae Variant Classification Sherloc (09022015). Collection method: clinical testing. Allele origin: germline.
Comment: This variant is not present in population databases (ExAC no frequency). For these reasons, this variant has been classified as Pathogenic. Loss-of-function variants in IL2RG are known to be pathogenic (PMID: 9058718, 10794430). This variant has not been reported in the literature in individuals with IL2RG-related conditions. This sequence change creates a premature translational stop signal (p.Leu50Serfs*21) in the IL2RG gene. It is expected to result in an absent or disrupted protein product.

Literature cited by the submitters: PubMed 9058718; PubMed 10794430.

NM_000206.3(IL2RG):c.148del (p.Leu50fs)

Gene: IL2RG (interleukin 2 receptor subunit gamma; minus strand). Cytogenetic location: Xq13.1.
Variant type: Deletion.
Coding change: c.148del on transcript NM_000206.3 (MANE Select); coding-DNA position 148, one base deleted (C; older notation c.148delC).
Protein change: p.Leu50fs; shifts the reading frame from leucine 50.
Molecular consequence: frameshift variant.
Genome position (GRCh38, 1-based): chrX:71,111,018, G deleted on the plus strand (C on the coding strand, the reverse complement: IL2RG is on the minus strand); the first of 3 consecutive G bases (chrX:71,111,018-71,111,020); deleting any one gives the same sequence. VCF-style (leftmost placement, unchanged base first): chrX-71111017-AG-A. GRCh37 (hg19) VCF-style: chrX-70330867-AG-A.
Other names: short protein forms L50fs.
Identifiers: ClinVar variation 1074635 (VCV001074635.7), dbSNP rs2147751090, ClinGen allele CA2499226827.
Genomic context (GRCh38, chrX:71,111,017, plus strand): 5'-ATGTACTCGACATTGAACACAAAACACTGAACCTCTGGGAGGGGCAGAGTGGAAACACTG[AG>A]GGAGTCAGTGGGCATAGTGGTCAGGAAGAAATCTAGATTGGGGAGAAAATGAAGGCAGGG-3'